The following is an entry in ClinVar:

NM_001853.4(COL9A3):c.1563C>T (p.Ser521=)

Genes: COL9A3 (collagen type IX alpha 3 chain; plus strand), LOC126863084 (MED14-independent group 3 enhancer GRCh37_chr20:61467141-61468340; plus strand). Cytogenetic location: 20q13.33.
Variant type: single nucleotide variant.
Coding change: c.1563C>T on transcript NM_001853.4 (MANE Select); coding-DNA position 1563, C replaced by T.
Protein change: p.Ser521=; no amino-acid change (serine 521 retained).
Molecular consequence: synonymous variant.
Genome position (GRCh38, 1-based): chr20:62,836,492, C>T. VCF-style: chr20-62836492-C-T. GRCh37 (hg19) VCF-style: chr20-61467844-C-T.
Identifiers: ClinVar variation 1298873 (VCV001298873.45), dbSNP rs144292707, ClinGen allele CA9950069.

ClinVar aggregate classification (germline): Conflicting classifications of pathogenicity. Review status: criteria provided, conflicting classifications (1 of 4 stars). 4 submissions from 4 submitters: Uncertain significance (1); Likely benign (3). Last evaluated 2026-02-01.

Allele frequency attached by ClinVar (database versions not stated): 1000 Genomes Project 0.00020; gnomAD 0.00026 and 0.00027; ESP Exome Variant Server 0.00031; ExAC 0.00037; 1000 Genomes Project 30x 0.00047.
gnomAD v4.1: 419 of 1,613,532 alleles (0.026%); highest among the groups gnomAD compares: Middle Eastern, 0.099%; 1 homozygote.

Submissions (6):

Labcorp Genetics (formerly Invitae), Labcorp
Classification: Likely benign. Last evaluated: 2026-02-01. Review status: criteria provided, single submitter. Criteria: Invitae Variant Classification Sherloc (09022015). Collection method: clinical testing. Allele origin: germline.

CeGaT Center for Human Genetics Tuebingen
Classification: Likely benign. Last evaluated: 2025-01-01. Review status: criteria provided, single submitter. Criteria: CeGaT Center For Human Genetics Tuebingen Variant Classification Criteria Version 2. Collection method: clinical testing. Allele origin: germline. Affected: yes. Observed: 2 variant alleles.
Comment: COL9A3: BP4, BP7

Blueprint Genetics
Classification: Likely benign. Last evaluated: 2024-10-28. Review status: criteria provided, single submitter. Criteria: ACMG Guidelines, 2015. Collection method: clinical testing. Allele origin: germline.

GeneDx
Classification: Uncertain significance. Last evaluated: 2021-10-05. Review status: criteria provided, single submitter. Criteria: GeneDx Variant Classification Process June 2021. Collection method: clinical testing. Allele origin: germline. Affected: yes.
Comment: Has not been previously published as pathogenic or benign to our knowledge; In-silico analysis is inconclusive as to whether the variant alters gene splicing. In the absence of RNA/functional studies, the actual effect of this sequence change is unknown.

Dr. Peter K. Rogan Lab, Western University
No classification provided (evidence only). Condition: Clear cell carcinoma of kidney. Review status: no classification provided. Collection method: in vitro. Allele origin: not applicable. Functional consequence: skipped exon. Not counted in ClinVar's aggregate classification.

Dr. Peter K. Rogan Lab, Western University
No classification provided (evidence only). Condition: Uterine carcinosarcoma. Review status: no classification provided. Collection method: in vitro. Allele origin: not applicable. Functional consequence: retained intron. Not counted in ClinVar's aggregate classification.